The following is an entry in ClinVar:

ClinVar aggregate classification (germline): Conflicting classifications of pathogenicity. Review status: criteria provided, conflicting classifications (1 of 4 stars). 2 submissions from 2 submitters: Likely pathogenic (1); Uncertain significance (1). Last evaluated 2025-09-08.

Conditions:
SHORT syndrome. Also called: SHORT STATURE, HYPEREXTENSIBILITY, HERNIA, OCULAR DEPRESSION, RIEGER ANOMALY, AND TEETHING DELAY; PIK3R1-Related SHORT Syndrome; LIPODYSTROPHY, PARTIAL, WITH RIEGER ANOMALY AND SHORT STATURE. Identifiers: Orphanet 3163, MedGen C0878684, MONDO:0010026, OMIM 269880.
Agammaglobulinemia 7, autosomal recessive (AGM7). Also called: AGAMMAGLOBULINEMIA, AUTOSOMAL RECESSIVE, DUE TO PIK3R1 DEFECT. Identifiers: MedGen C3554689, MONDO:0014083, OMIM 615214.
Immunodeficiency 36 with lymphoproliferation. Also called: ACTIVATED PI3K-DELTA SYNDROME 2; Immunodeficiency 36; Activated PI3K Delta Syndrome Type 2 (APDS2). Identifiers: Orphanet 397596, Orphanet 693681, MedGen C4014934, MONDO:0014453, OMIM 616005.

Allele frequency attached by ClinVar (database versions not stated): gnomAD exomes below 0.00001; gnomAD 0.00001.
gnomAD v4.1: 4 of 1,614,010 alleles (0.00025%); highest among the groups gnomAD compares: African/African-American, 0.0013%; no homozygotes.

Submissions (2):

3billion
Classification: Uncertain significance for SHORT syndrome. Last evaluated: 2025-09-08. Review status: criteria provided, single submitter. Criteria: ACMG Guidelines, 2015. Collection method: clinical testing. Allele origin: germline. Affected: yes.
Comment: The variant is observed at an extremely low frequency in the gnomAD v4.1.0 dataset (total allele frequency: <0.001%). Predicted Consequence/Location: Missense variant In silico tool predictions suggest damaging effect of the variant on gene or gene product [REVEL: 0.95 (>=0.6, sensitivity 0.68 and specificity 0.92); 3Cnet: 0.95 (> 0.75, sensitivity 0.96 and precision 0.92)]. The same nucleotide change resulting in the same amino acid change has been previously reported to be associated with PIK3R1-related disorder (ClinVar ID: VCV002061060). However, the evidence of pathogenicity is insufficient at this time. A different missense change at the same codon (p.Arg649Trp) has been reported as pathogenic/likely pathogenic with strong evidence (ClinVar ID: VCV000060763 /PMID: 23810382). Therefore, this variant is classified as VUS according to the recommendation of ACMG/AMP guideline.

Labcorp Genetics (formerly Invitae), Labcorp
Classification: Likely pathogenic for SHORT syndrome; Immunodeficiency 36 with lymphoproliferation; Agammaglobulinemia 7, autosomal recessive. Last evaluated: 2024-05-25. Review status: criteria provided, single submitter. Criteria: Invitae Variant Classification Sherloc (09022015). Collection method: clinical testing. Allele origin: germline.
Comment: This sequence change replaces arginine, which is basic and polar, with glutamine, which is neutral and polar, at codon 649 of the PIK3R1 protein (p.Arg649Gln). This variant is present in population databases (no rsID available, gnomAD 0.0009%). This variant has not been reported in the literature in individuals affected with PIK3R1-related conditions. ClinVar contains an entry for this variant (Variation ID: 2061060). Advanced modeling of protein sequence and biophysical properties (such as structural, functional, and spatial information, amino acid conservation, physicochemical variation, residue mobility, and thermodynamic stability) performed at Invitae indicates that this missense variant is expected to disrupt PIK3R1 protein function with a positive predictive value of 80%. This variant disrupts the p.Arg649 amino acid residue in PIK3R1. Other variant(s) that disrupt this residue have been determined to be pathogenic (PMID: 23810378, 23810379, 23810382, 23980586). This suggests that this residue is clinically significant, and that variants that disrupt this residue are likely to be disease-causing. In summary, the currently available evidence indicates that the variant is pathogenic, but additional data are needed to prove that conclusively. Therefore, this variant has been classified as Likely Pathogenic.

Literature cited by the submitters: PubMed 23810382 (cited by 3billion and Labcorp Genetics (formerly Invitae), Labcorp); PubMed 23810378 (cited by Labcorp Genetics (formerly Invitae), Labcorp); PubMed 23810379 (cited by Labcorp Genetics (formerly Invitae), Labcorp); PubMed 23980586 (cited by Labcorp Genetics (formerly Invitae), Labcorp).

NM_181523.3(PIK3R1):c.1946G>A (p.Arg649Gln)

Gene: PIK3R1 (phosphoinositide-3-kinase regulatory subunit 1; plus strand). Cytogenetic location: 5q13.1.
Variant type: single nucleotide variant.
Coding change: c.1946G>A on transcript NM_181523.3 (MANE Select); coding-DNA position 1946, G replaced by A.
Protein change: p.Arg649Gln; replaces arginine 649 with glutamine.
Molecular consequence: missense variant.
Genome position (GRCh38, 1-based): chr5:68,296,302, G>A. VCF-style: chr5-68296302-G-A. GRCh37 (hg19) VCF-style: chr5-67592130-G-A.
Other names: c.857G>A, p.Arg286Gln (NM_001242466.2); c.1136G>A, p.Arg379Gln (NM_181504.4); c.1046G>A, p.Arg349Gln (NM_181524.2); short protein forms R286Q, R379Q, R349Q, R649Q.
Identifiers: ClinVar variation 2061060 (VCV002061060.5), dbSNP rs1389187507, ClinGen allele CA359884564.